The following is an entry in ClinVar:

ClinVar aggregate classification (germline): Uncertain significance (1 of 4 stars; one submission).

gnomAD v4.1: 1 of 1,613,730 alleles (0.000062%); highest among the groups gnomAD compares: South Asian, 0.0011%; no homozygotes.

Submission:

Labcorp Genetics (formerly Invitae), Labcorp
Classification: Uncertain significance. Last evaluated: 2025-01-11. Review status: criteria provided, single submitter. Criteria: Invitae Variant Classification Sherloc (09022015). Collection method: clinical testing. Allele origin: germline.
Comment: This sequence change replaces alanine, which is neutral and non-polar, with threonine, which is neutral and polar, at codon 820 of the SLC12A6 protein (p.Ala820Thr). This variant is present in population databases (rs768426770, gnomAD 0.003%). This variant has not been reported in the literature in individuals affected with SLC12A6-related conditions. Invitae Evidence Modeling of protein sequence and biophysical properties (such as structural, functional, and spatial information, amino acid conservation, physicochemical variation, residue mobility, and thermodynamic stability) indicates that this missense variant is not expected to disrupt SLC12A6 protein function with a negative predictive value of 80%. In summary, the available evidence is currently insufficient to determine the role of this variant in disease. Therefore, it has been classified as a Variant of Uncertain Significance.

NM_001365088.1(SLC12A6):c.2458G>A (p.Ala820Thr)

Genes: SLC12A6 (solute carrier family 12 member 6; minus strand), LOC126862097 (P300/CBP strongly-dependent group 1 enhancer GRCh37_chr15:34531007-34532206; plus strand). Cytogenetic location: 15q14.
Variant type: single nucleotide variant.
Coding change: c.2458G>A on transcript NM_001365088.1 (MANE Select); coding-DNA position 2458, G replaced by A.
Protein change: p.Ala820Thr; replaces alanine 820 with threonine.
Molecular consequence: missense variant.
Genome position (GRCh38, 1-based): chr15:34,239,139, C>T on the plus strand (G>A on the coding strand, the complement: SLC12A6 is on the minus strand). VCF-style: chr15-34239139-C-T. GRCh37 (hg19) VCF-style: chr15-34531340-C-T.
Other names: c.2281G>A, p.Ala761Thr (NM_001042494.2, NM_001042495.2); c.2431G>A, p.Ala811Thr (NM_001042496.2); c.2413G>A, p.Ala805Thr (NM_001042497.2); c.2305G>A, p.Ala769Thr (NM_005135.2); c.2458G>A, p.Ala820Thr (NM_133647.2); short protein forms A820T, A761T, A769T, A805T, A811T.
Identifiers: ClinVar variation 3689766 (VCV003689766.2).